The following is an entry in ClinVar:

NM_006031.6(PCNT):c.7800G>C (p.Ala2600=)

Gene: PCNT (pericentrin; plus strand). Cytogenetic location: 21q22.3.
Variant type: single nucleotide variant.
Coding change: c.7800G>C on transcript NM_006031.6 (MANE Select); coding-DNA position 7800, G replaced by C.
Protein change: p.Ala2600=; no amino-acid change (alanine 2600 retained).
Molecular consequence: synonymous variant.
Genome position (GRCh38, 1-based): chr21:46,430,119, G>C. VCF-style: chr21-46430119-G-C. GRCh37 (hg19) VCF-style: chr21-47850033-G-C.
Other names: c.7446G>C, p.Ala2482= (NM_001315529.2).
Identifiers: ClinVar variation 3356557 (VCV003356557.1).

ClinVar aggregate classification (germline): Likely benign (0 of 4 stars; one submission).

Conditions:
PCNT-related disorder. Also called: PCNT-related condition.

gnomAD v4.1: 1 of 1,614,196 alleles (0.000062%); highest among the groups gnomAD compares: Admixed American, 0.0017%; no homozygotes.

Submission:

PreventionGenetics, part of Exact Sciences
Classification: Likely benign for PCNT-related condition. Last evaluated: 2023-01-11. Review status: no assertion criteria provided. Collection method: clinical testing. Allele origin: germline.
Comment: This variant is classified as likely benign based on ACMG/AMP sequence variant interpretation guidelines (Richards et al. 2015 PMID: 25741868, with internal and published modifications).